The following is an entry in ClinVar:

NM_201548.5(CERKL):c.356G>A (p.Gly119Asp)

Gene: CERKL (CERK like autophagy regulator; minus strand). Cytogenetic location: 2q31.3.
Variant type: single nucleotide variant.
Coding change: c.356G>A on transcript NM_201548.5 (MANE Select); coding-DNA position 356, G replaced by A.
Protein change: p.Gly119Asp; replaces glycine 119 with aspartic acid.
Molecular consequence: missense variant. On other transcripts: non-coding transcript variant (2).
Genome position (GRCh38, 1-based): chr2:181,603,962, C>T on the plus strand (G>A on the coding strand, the complement: CERKL is on the minus strand). VCF-style: chr2-181603962-C-T. GRCh37 (hg19) VCF-style: chr2-182468689-C-T.
Other names: c.356G>A, p.Gly119Asp (NM_001030311.3, NM_001030312.3, NM_001030313.3 and 1 more transcripts); short protein forms G119D.
Identifiers: ClinVar variation 801838 (VCV000801838.18), dbSNP rs1003615909, ClinGen allele CA61602220.

ClinVar aggregate classification (germline): Pathogenic/Likely pathogenic. Review status: criteria provided, multiple submitters, no conflicts (2 of 4 stars). 6 submissions from 6 submitters: Pathogenic (2); Likely pathogenic (4). Last evaluated 2026-08-14.

Conditions:
Retinitis pigmentosa 26 (RP26). Identifiers: Orphanet 791, MedGen C1842127, MONDO:0012024, OMIM 608380.
Retinitis pigmentosa (RP). Identifiers: Orphanet 791, MedGen C0035334, MeSH D012174, MONDO:0019200, OMIM 268000. Inheritance: Autosomal dominant, autosomal recessive and X linked inheritance.

Allele frequency attached by ClinVar (database versions not stated): gnomAD 0.00001; gnomAD exomes 0.00001.

Submissions (6):

Myriad Genetics, Inc.
Classification: Likely pathogenic for Retinitis pigmentosa 26. Last evaluated: 2026-08-14. Review status: criteria provided, single submitter. Criteria: Myriad Autosomal Dominant, Autosomal Recessive and X-Linked Classification Criteria (2023). Collection method: clinical testing. Allele origin: unknown.
Comment: NM_001030311.2(CERKL):c.356G>A(G119D) is a missense variant classified as likely pathogenic in the context of retinitis pigmentosa, CERKL-related. G119D has been observed in cases with relevant disease (PMID: 30337596, 32483926, 35119454, 41615371). Relevant functional assessments of this variant are not available in the literature. G119D has been observed in referenced population frequency databases. In summary, NM_001030311.2(CERKL):c.356G>A(G119D) is a missense variant that has been observed more frequently in cases with the relevant disease than in healthy populations. Please note: this variant was assessed in the context of healthy population screening.

Natera, Inc.
Classification: Pathogenic for Retinitis Pigmentosa 26. Last evaluated: 2025-10-06. Review status: criteria provided, single submitter. Criteria: Natera Variant Classification Schema (03/2026). Collection method: clinical testing. Allele origin: germline.
Comment: The c.356G>A variant in CERKL is a missense variant predicted to cause substitution of glycine to aspartic acid at amino acid 119. This variant is rare in the general population with a frequency below the threshold expected for the associated phenotype(s). This variant has been observed in one or more individuals affected with the associated recessive disease, as either homozygous or compound heterozygous with a second variant (PMID: 35119454, 30337596, 32483926, 26766544). Computational prediction algorithms indicate this variant is likely to affect gene or protein function. Given the available evidence, this variant is classified as Pathogenic.

Women's Health and Genetics/Laboratory Corporation of America, LabCorp
Classification: Likely pathogenic for Retinitis pigmentosa. Last evaluated: 2025-06-24. Review status: criteria provided, single submitter. Criteria: LabCorp Variant Classification Summary - May 2015. Collection method: clinical testing. Allele origin: germline.
Comment: Variant summary: CERKL c.356G>A (p.Gly119Asp) results in a non-conservative amino acid change in the encoded protein sequence. Algorithms developed to predict the effect of missense changes on protein structure and function are either unavailable or do not agree on the potential impact of this missense change. The variant allele was found at a frequency of 1.2e-05 in 249734 control chromosomes. c.356G>A has been observed in individual(s) affected with inherited retinal dystrophies including retinitis pigmentosa and code-rod dystrophy (e.g. Weisschuh_2016, Ezuerra-Inchausti_2018, Dineiro_2020, internal data). These data indicate that the variant is likely to be associated with disease. To our knowledge, no experimental evidence demonstrating an impact on protein function has been reported. The following publications have been ascertained in the context of this evaluation (PMID: 35119454, 32483926, 30337596, 26766544). ClinVar contains an entry for this variant (Variation ID: 801838). Based on the evidence outlined above, the variant was classified as likely pathogenic.

Labcorp Genetics (formerly Invitae), Labcorp
Classification: Pathogenic. Last evaluated: 2025-04-22. Review status: criteria provided, single submitter. Criteria: Invitae Variant Classification Sherloc (09022015). Collection method: clinical testing. Allele origin: germline.
Comment: This sequence change replaces glycine, which is neutral and non-polar, with aspartic acid, which is acidic and polar, at codon 119 of the CERKL protein (p.Gly119Asp). This variant is present in population databases (no rsID available, gnomAD 0.006%). This missense change has been observed in individual(s) with clinical features of cone-rod dystrophy and/or clinical features of retinitis pigmentosa (PMID: 26766544, 30337596; internal data). In at least one individual the data is consistent with being in trans (on the opposite chromosome) from a pathogenic variant. ClinVar contains an entry for this variant (Variation ID: 801838). Invitae Evidence Modeling of protein sequence and biophysical properties (such as structural, functional, and spatial information, amino acid conservation, physicochemical variation, residue mobility, and thermodynamic stability) indicates that this missense variant is expected to disrupt CERKL protein function with a positive predictive value of 95%. For these reasons, this variant has been classified as Pathogenic.

Institute of Medical Genetics and Applied Genomics, University Hospital Tübingen
Classification: Likely pathogenic for Retinitis pigmentosa 26. Last evaluated: 2022-11-21. Review status: criteria provided, single submitter. Criteria: ACMG Guidelines, 2015. Collection method: clinical testing. Allele origin: germline. Inheritance: Autosomal recessive inheritance. Affected: yes.

Mendelics
Classification: Likely pathogenic for Retinitis pigmentosa 26. Last evaluated: 2019-05-28. Review status: criteria provided, single submitter. Criteria: Mendelics Assertion Criteria 2017. Collection method: clinical testing. Allele origin: unknown.

Literature cited by the submitters: PubMed 30337596 (cited by 4 submitters); PubMed 32483926 (cited by 3 submitters); PubMed 35119454 (cited by 3 submitters); PubMed 41615371 (cited by Myriad Genetics, Inc.); PubMed 26766544 (cited by 3 submitters).